The following is an entry in ClinVar:

NM_138576.4(BCL11B):c.997G>A (p.Glu333Lys)

Gene: BCL11B (BCL11 transcription factor B; minus strand). Cytogenetic location: 14q32.2.
Variant type: single nucleotide variant.
Coding change: c.997G>A on transcript NM_138576.4 (MANE Select); coding-DNA position 997, G replaced by A.
Protein change: p.Glu333Lys; replaces glutamic acid 333 with lysine.
Molecular consequence: missense variant.
Genome position (GRCh38, 1-based): chr14:99,175,839, C>T on the plus strand (G>A on the coding strand, the complement: BCL11B is on the minus strand). VCF-style: chr14-99175839-C-T. GRCh37 (hg19) VCF-style: chr14-99642176-C-T.
Other names: c.994G>A, p.Glu332Lys (NM_001282237.2); c.781G>A, p.Glu261Lys (NM_001282238.2); c.784G>A, p.Glu262Lys (NM_022898.3); short protein forms E261K, E262K, E332K, E333K.
Identifiers: ClinVar variation 4689520 (VCV004689520.1).

ClinVar aggregate classification (germline): Likely pathogenic (1 of 4 stars; one submission).

Conditions:
BCL11B-related disorder. Also called: BCL11B-Related Disorders.

gnomAD v4.1: 1 of 1,478,620 alleles (0.000068%); highest among the groups gnomAD compares: Non-Finnish European, 0.000089%; no homozygotes.

Submission:

Women's Health and Genetics/Laboratory Corporation of America, LabCorp
Classification: Likely pathogenic for BCL11B-Related Disorders. Last evaluated: 2026-01-09. Review status: criteria provided, single submitter. Criteria: LabCorp Variant Classification Summary - May 2015. Collection method: clinical testing. Allele origin: germline.
Comment: Variant summary: BCL11B c.997G>A (p.Glu333Lys) results in a conservative amino acid change in the encoded protein sequence. Algorithms developed to predict the effect of missense changes on protein structure and function are either unavailable or do not agree on the potential impact of this missense change. The variant allele was found at a frequency of 6.8e-07 in 1478620 control chromosomes. To our knowledge, no experimental evidence demonstrating an impact on protein function has been reported. No submitters have cited clinical-significance assessments for this variant to ClinVar. Based on the evidence outlined above, the variant was classified as likely pathogenic.